The following is an entry in ClinVar:

ClinVar aggregate classification (germline): Benign. Review status: criteria provided, multiple submitters, no conflicts (2 of 4 stars). 5 submissions from 5 submitters: Benign (5). Last evaluated 2026-02-04.

Conditions:
Pontocerebellar hypoplasia type 2E. Identifiers: Orphanet 247198, MedGen C4014488, MONDO:0014370, OMIM 615851.

Allele frequency attached by ClinVar (database versions not stated): 1000 Genomes Project 30x 0.06761; 1000 Genomes Project 0.06929; TOPMed 0.07410; gnomAD 0.08020 and 0.08027; ESP Exome Variant Server 0.08388; gnomAD exomes 0.08581 and 0.10327; ExAC 0.08855.
gnomAD v4.1: 158,190 of 1,573,912 alleles (10%); highest among the groups gnomAD compares: East Asian, 11%; 8,644 homozygotes.

Submissions (33):

Labcorp Genetics (formerly Invitae), Labcorp
Classification: Benign. Last evaluated: 2026-02-04. Review status: criteria provided, single submitter. Criteria: Invitae Variant Classification Sherloc (09022015). Collection method: clinical testing. Allele origin: germline.

Blueprint Genetics
Classification: Benign. Last evaluated: 2024-11-27. Review status: criteria provided, single submitter. Criteria: ACMG Guidelines, 2015. Collection method: clinical testing. Allele origin: germline.

Genome-Nilou Lab
Classification: Benign for Pontocerebellar hypoplasia type 2E. Last evaluated: 2021-07-14. Review status: criteria provided, single submitter. Criteria: ACMG Guidelines, 2015. Collection method: clinical testing. Allele origin: germline. Affected: no.

GeneDx
Classification: Benign. Last evaluated: 2016-01-20. Review status: criteria provided, single submitter. Criteria: GeneDx Variant Classification (06012015). Collection method: clinical testing. Allele origin: germline. Affected: yes.
Comment: This variant is considered likely benign or benign based on one or more of the following criteria: it is a conservative change, it occurs at a poorly conserved position in the protein, it is predicted to be benign by multiple in silico algorithms, and/or has population frequency not consistent with disease.

Breakthrough Genomics
Classification: Benign. Review status: criteria provided, single submitter. Criteria: ACMG Guidelines, 2015. Collection method: not provided. Allele origin: germline. Inheritance: Autosomal recessive inheritance. Affected: yes.

Dr. Peter K. Rogan Lab, Western University
No classification provided (evidence only). Condition: Familial cancer of breast. Review status: no classification provided. Collection method: in vitro. Allele origin: not applicable. Functional consequence: skipped exon. Not counted in ClinVar's aggregate classification.

Dr. Peter K. Rogan Lab, Western University
No classification provided (evidence only). Condition: Familial cancer of breast. Review status: no classification provided. Collection method: in vitro. Allele origin: not applicable. Functional consequence: retained intron. Not counted in ClinVar's aggregate classification.

Dr. Peter K. Rogan Lab, Western University
No classification provided (evidence only). Condition: Colorectal cancer. Review status: no classification provided. Collection method: in vitro. Allele origin: not applicable. Functional consequence: retained intron. Not counted in ClinVar's aggregate classification.

Dr. Peter K. Rogan Lab, Western University
No classification provided (evidence only). Condition: Colorectal cancer. Review status: no classification provided. Collection method: in vitro. Allele origin: not applicable. Functional consequence: retained intron. Not counted in ClinVar's aggregate classification.

Dr. Peter K. Rogan Lab, Western University
No classification provided (evidence only). Condition: Colorectal cancer. Review status: no classification provided. Collection method: in vitro. Allele origin: not applicable. Functional consequence: skipped exon. Not counted in ClinVar's aggregate classification.

Dr. Peter K. Rogan Lab, Western University
No classification provided (evidence only). Condition: Colorectal cancer. Review status: no classification provided. Collection method: in vitro. Allele origin: not applicable. Functional consequence: skipped exon. Not counted in ClinVar's aggregate classification.

Dr. Peter K. Rogan Lab, Western University
No classification provided (evidence only). Condition: Colorectal cancer. Review status: no classification provided. Collection method: in vitro. Allele origin: not applicable. Functional consequence: skipped exon. Not counted in ClinVar's aggregate classification.

Dr. Peter K. Rogan Lab, Western University
No classification provided (evidence only). Condition: Colorectal cancer. Review status: no classification provided. Collection method: in vitro. Allele origin: not applicable. Functional consequence: skipped exon. Not counted in ClinVar's aggregate classification.

Dr. Peter K. Rogan Lab, Western University
No classification provided (evidence only). Condition: Colorectal cancer. Review status: no classification provided. Collection method: in vitro. Allele origin: not applicable. Functional consequence: skipped exon. Not counted in ClinVar's aggregate classification.

Dr. Peter K. Rogan Lab, Western University
No classification provided (evidence only). Condition: Malignant lymphoma, large B-cell, diffuse. Review status: no classification provided. Collection method: in vitro. Allele origin: not applicable. Functional consequence: skipped exon. Not counted in ClinVar's aggregate classification.

Dr. Peter K. Rogan Lab, Western University
No classification provided (evidence only). Condition: Hepatocellular carcinoma. Review status: no classification provided. Collection method: in vitro. Allele origin: not applicable. Functional consequence: retained intron. Not counted in ClinVar's aggregate classification.

Dr. Peter K. Rogan Lab, Western University
No classification provided (evidence only). Condition: Hepatocellular carcinoma. Review status: no classification provided. Collection method: in vitro. Allele origin: not applicable. Functional consequence: skipped exon. Not counted in ClinVar's aggregate classification.

Dr. Peter K. Rogan Lab, Western University
No classification provided (evidence only). Condition: Cholangiocarcinoma. Review status: no classification provided. Collection method: in vitro. Allele origin: not applicable. Functional consequence: skipped exon. Not counted in ClinVar's aggregate classification.

Dr. Peter K. Rogan Lab, Western University
No classification provided (evidence only). Condition: Cholangiocarcinoma. Review status: no classification provided. Collection method: in vitro. Allele origin: not applicable. Functional consequence: skipped exon. Not counted in ClinVar's aggregate classification.

Dr. Peter K. Rogan Lab, Western University
No classification provided (evidence only). Condition: Uterine carcinosarcoma. Review status: no classification provided. Collection method: in vitro. Allele origin: not applicable. Functional consequence: retained intron. Not counted in ClinVar's aggregate classification.

Dr. Peter K. Rogan Lab, Western University
No classification provided (evidence only). Condition: Uterine carcinosarcoma. Review status: no classification provided. Collection method: in vitro. Allele origin: not applicable. Functional consequence: skipped exon. Not counted in ClinVar's aggregate classification.

Dr. Peter K. Rogan Lab, Western University
No classification provided (evidence only). Condition: Uterine carcinosarcoma. Review status: no classification provided. Collection method: in vitro. Allele origin: not applicable. Functional consequence: skipped exon. Not counted in ClinVar's aggregate classification.

Dr. Peter K. Rogan Lab, Western University
No classification provided (evidence only). Condition: Uterine carcinosarcoma. Review status: no classification provided. Collection method: in vitro. Allele origin: not applicable. Functional consequence: skipped exon, retained intron. Not counted in ClinVar's aggregate classification.

Dr. Peter K. Rogan Lab, Western University
No classification provided (evidence only). Condition: Uveal melanoma. Review status: no classification provided. Collection method: in vitro. Allele origin: not applicable. Functional consequence: retained intron. Not counted in ClinVar's aggregate classification.

Dr. Peter K. Rogan Lab, Western University
No classification provided (evidence only). Condition: Uveal melanoma. Review status: no classification provided. Collection method: in vitro. Allele origin: not applicable. Functional consequence: retained intron. Not counted in ClinVar's aggregate classification.

Dr. Peter K. Rogan Lab, Western University
No classification provided (evidence only). Condition: Uveal melanoma. Review status: no classification provided. Collection method: in vitro. Allele origin: not applicable. Functional consequence: retained intron. Not counted in ClinVar's aggregate classification.

Dr. Peter K. Rogan Lab, Western University
No classification provided (evidence only). Condition: Uveal melanoma. Review status: no classification provided. Collection method: in vitro. Allele origin: not applicable. Functional consequence: retained intron. Not counted in ClinVar's aggregate classification.

Dr. Peter K. Rogan Lab, Western University
No classification provided (evidence only). Condition: Uveal melanoma. Review status: no classification provided. Collection method: in vitro. Allele origin: not applicable. Functional consequence: retained intron. Not counted in ClinVar's aggregate classification.

Dr. Peter K. Rogan Lab, Western University
No classification provided (evidence only). Condition: Uveal melanoma. Review status: no classification provided. Collection method: in vitro. Allele origin: not applicable. Functional consequence: retained intron. Not counted in ClinVar's aggregate classification.

Dr. Peter K. Rogan Lab, Western University
No classification provided (evidence only). Condition: Uveal melanoma. Review status: no classification provided. Collection method: in vitro. Allele origin: not applicable. Functional consequence: skipped exon, retained intron. Not counted in ClinVar's aggregate classification.

Dr. Peter K. Rogan Lab, Western University
No classification provided (evidence only). Condition: Uveal melanoma. Review status: no classification provided. Collection method: in vitro. Allele origin: not applicable. Functional consequence: skipped exon. Not counted in ClinVar's aggregate classification.

Dr. Peter K. Rogan Lab, Western University
No classification provided (evidence only). Condition: Uveal melanoma. Review status: no classification provided. Collection method: in vitro. Allele origin: not applicable. Functional consequence: retained intron. Not counted in ClinVar's aggregate classification.

Dr. Peter K. Rogan Lab, Western University
No classification provided (evidence only). Condition: Hepatocellular carcinoma. Review status: no classification provided. Collection method: in vitro. Allele origin: not applicable. Functional consequence: retained intron. Not counted in ClinVar's aggregate classification.

NM_001128159.3(VPS53):c.1117-3C>T

Genes: VPS53 (VPS53 subunit of GARP complex; minus strand), LOC126862457 (BRD4-independent group 4 enhancer GRCh37_chr17:504328-505527; plus strand). Cytogenetic location: 17p13.3.
Variant type: single nucleotide variant.
Coding change: c.1117-3C>T on transcript NM_001128159.3 (MANE Select); 3 bases into the intron before coding-DNA position 1117, C replaced by T.
Molecular consequence: intron variant.
Genome position (GRCh38, 1-based): chr17:601,899, G>A on the plus strand (C>T on the coding strand, the complement: VPS53 is on the minus strand). VCF-style: chr17-601899-G-A. GRCh37 (hg19) VCF-style: chr17-505139-G-A.
Other names: c.1030-3C>T (NM_018289.4); c.1117-3C>T (NM_001366253.2); c.523-3C>T (NM_001366254.2).
Identifiers: ClinVar variation 380924 (VCV000380924.12), dbSNP rs56807006, ClinGen allele CA8261534.